The following is an entry in ClinVar:

ClinVar aggregate classification (germline): Pathogenic (1 of 4 stars; one submission).

Conditions:
Ehlers-Danlos syndrome, dermatosparaxis type. Also called: EDS VIIC; Dermatosparaxis; Ehlers-Danlos syndrome, type VII, autosomal recessive. Identifiers: Orphanet 1901, MedGen C2700425, MONDO:0009161, OMIM 225410.

Submission:

Myriad Genetics, Inc.
Classification: Pathogenic for Ehlers-Danlos syndrome, dermatosparaxis type. Last evaluated: 2024-05-14. Review status: criteria provided, single submitter. Criteria: Myriad Autosomal Dominant, Autosomal Recessive and X-Linked Classification Criteria (2023). Collection method: clinical testing. Allele origin: unknown.
Comment: NM_014244.4(ADAMTS2):c.48_49ins13(L17Yfs*53) is expected to be pathogenic in the context of Ehlers-Danlos syndrome, ADAMTS2-related. This variant is predicted to lead to an abnormal or absent protein product due to the creation of a premature termination codon in ADAMTS2, a gene where loss-of-function variants are known to be pathogenic. Please note: this variant was assessed in the context of healthy population screening.

NM_014244.5(ADAMTS2):c.48_49insTATAAGAGACAGT (p.Leu17fs)

Gene: ADAMTS2 (ADAM metallopeptidase with thrombospondin type 1 motif 2; minus strand). Cytogenetic location: 5q35.3.
Variant type: Insertion.
Coding change: c.48_49insTATAAGAGACAGT on transcript NM_014244.5 (MANE Select); coding-DNA positions 48 to 49, TATAAGAGACAGT inserted.
Protein change: p.Leu17fs; shifts the reading frame from leucine 17.
Molecular consequence: frameshift variant.
Genome position: GRCh38 VCF-style: chr5-179345280-G-GACTGTCTCTTATA. GRCh37 (hg19) VCF-style: chr5-178772281-G-GACTGTCTCTTATA.
Other names: c.48_49insTATAAGAGACAGT, p.Leu17fs (NM_021599.4); short protein forms L17fs.
Identifiers: ClinVar variation 5011234 (VCV005011234.1).